The following is an entry in ClinVar:

ClinVar aggregate classification (germline): Benign. Review status: criteria provided, single submitter (1 of 4 stars). 2 submissions from 2 submitters: Benign (1). 1 of the submissions does not count toward it. Last evaluated 2026-05-09.

Conditions:
PRKG2-related disorder. Also called: PRKG2-related condition.

Allele frequency attached by ClinVar (database versions not stated): 1000 Genomes Project 0.01498; gnomAD exomes 0.03298; ExAC 0.02249; TOPMed 0.02619; ESP Exome Variant Server 0.02783; 1000 Genomes Project 30x 0.01421; gnomAD 0.02384.
gnomAD v4.1: 51,748 of 1,614,092 alleles (3.2%); highest among the groups gnomAD compares: Non-Finnish European, 3.8%; 998 homozygotes.

Submissions (2):

Women's Health and Genetics/Laboratory Corporation of America, LabCorp
Classification: Benign. Last evaluated: 2026-05-09. Review status: criteria provided, single submitter. Criteria: LabCorp Variant Classification Summary - May 2015. Collection method: clinical testing. Allele origin: germline.

PreventionGenetics, part of Exact Sciences
Classification: Benign for PRKG2-related condition. Last evaluated: 2019-02-25. Review status: no assertion criteria provided. Collection method: clinical testing. Allele origin: germline. Not counted in ClinVar's aggregate classification.
Comment: This variant is classified as benign based on ACMG/AMP sequence variant interpretation guidelines (Richards et al. 2015 PMID: 25741868, with internal and published modifications).

NM_006259.3(PRKG2):c.81G>C (p.Arg27=)

Gene: PRKG2 (protein kinase cGMP-dependent 2; minus strand). Cytogenetic location: 4q21.21.
Variant type: single nucleotide variant.
Coding change: c.81G>C on transcript NM_006259.3 (MANE Select); coding-DNA position 81, G replaced by C.
Protein change: p.Arg27=; no amino-acid change (arginine 27 retained).
Molecular consequence: synonymous variant.
Genome position (GRCh38, 1-based): chr4:81,204,967, C>G on the plus strand (G>C on the coding strand, the complement: PRKG2 is on the minus strand). VCF-style: chr4-81204967-C-G. GRCh37 (hg19) VCF-style: chr4-82126121-C-G.
Other names: c.81G>C, p.Arg27= (NM_001282485.2, NM_001363401.2).
Identifiers: ClinVar variation 3056280 (VCV003056280.3), dbSNP rs17484474, ClinGen allele CA2984016.